The following is an entry in ClinVar:

NM_000038.6(APC):c.7840A>G (p.Lys2614Glu)

Gene: APC (APC regulator of Wnt signaling pathway; plus strand). Cytogenetic location: 5q22.2.
Variant type: single nucleotide variant.
Coding change: c.7840A>G on transcript NM_000038.6 (MANE Select); coding-DNA position 7840, A replaced by G.
Protein change: p.Lys2614Glu; replaces lysine 2614 with glutamic acid.
Molecular consequence: missense variant. On other transcripts: non-coding transcript variant (2).
Genome position (GRCh38, 1-based): chr5:112,843,434, A>G. VCF-style: chr5-112843434-A-G. GRCh37 (hg19) VCF-style: chr5-112179131-A-G.
Other names: c.7840A>G, p.Lys2614Glu (NM_001127510.3, NM_001354895.2, NM_001407450.1); c.7786A>G, p.Lys2596Glu (NM_001127511.3); c.7894A>G, p.Lys2632Glu (NM_001354896.2, NM_001407447.1, NM_001407448.1 and 1 more transcripts); c.7870A>G, p.Lys2624Glu (NM_001354897.2); c.7765A>G, p.Lys2589Glu (NM_001354898.2); c.7756A>G, p.Lys2586Glu (NM_001354899.2); c.7717A>G, p.Lys2573Glu (NM_001354900.2); c.7663A>G, p.Lys2555Glu (NM_001354901.2, NM_001407453.1); and 11 more; short protein forms K2230E, K2331E, K2454E, K2485E, K2488E, K2513E, K2523E, K2531E.
Identifiers: ClinVar variation 3231541 (VCV003231541.1), dbSNP rs2533823333, ClinGen allele CA16038364.

ClinVar aggregate classification (germline): Uncertain significance (1 of 4 stars; one submission).

Conditions:
Hereditary cancer-predisposing syndrome. Also called: Neoplastic Syndromes, Hereditary; Tumor predisposition; Hereditary neoplastic syndrome; Hereditary Cancer Syndrome. Identifiers: Orphanet 140162, MedGen C0027672, MeSH D009386, MONDO:0015356.

Allele frequency attached by ClinVar (database versions not stated): gnomAD exomes 0.00001.
gnomAD v4.1: 7 of 1,613,602 alleles (0.00043%); highest among the groups gnomAD compares: Non-Finnish European, 0.00059%; no homozygotes.

Submission:

Ambry Genetics
Classification: Uncertain significance for Hereditary cancer-predisposing syndrome. Last evaluated: 2023-10-04. Review status: criteria provided, single submitter. Criteria: Ambry Variant Classification Scheme 2023. Collection method: clinical testing. Allele origin: germline.
Comment: The p.K2614E variant (also known as c.7840A>G), located in coding exon 15 of the APC gene, results from an A to G substitution at nucleotide position 7840. The lysine at codon 2614 is replaced by glutamic acid, an amino acid with similar properties. This amino acid position is conserved. In addition, in silico predictors for this gene do not accurately predict pathogenicity. Since supporting evidence is limited at this time, the clinical significance of this alteration remains unclear.